The following is an entry in ClinVar:

NM_003482.4(KMT2D):c.2585C>G (p.Pro862Arg)

Gene: KMT2D (lysine methyltransferase 2D; minus strand). Cytogenetic location: 12q13.12.
Variant type: single nucleotide variant.
Coding change: c.2585C>G on transcript NM_003482.4 (MANE Select); coding-DNA position 2585, C replaced by G.
Protein change: p.Pro862Arg; replaces proline 862 with arginine.
Molecular consequence: missense variant.
Genome position (GRCh38, 1-based): chr12:49,051,098, G>C on the plus strand (C>G on the coding strand, the complement: KMT2D is on the minus strand). VCF-style: chr12-49051098-G-C. GRCh37 (hg19) VCF-style: chr12-49444881-G-C.
Other names: short protein forms P862R.
Identifiers: ClinVar variation 2035771 (VCV002035771.4), dbSNP rs1937953186, ClinGen allele CA384665505.

ClinVar aggregate classification (germline): Uncertain significance (1 of 4 stars; one submission).

Conditions:
Kabuki syndrome. Also called: Kabuki make-up syndrome; NIIKAWA-KUROKI SYNDROME. Identifiers: Orphanet 2322, MedGen C0796004, MONDO:0016512.

Submission:

Labcorp Genetics (formerly Invitae), Labcorp
Classification: Uncertain significance for Kabuki syndrome. Last evaluated: 2023-10-03. Review status: criteria provided, single submitter. Criteria: Invitae Variant Classification Sherloc (09022015). Collection method: clinical testing. Allele origin: germline.
Comment: This sequence change replaces proline, which is neutral and non-polar, with arginine, which is basic and polar, at codon 862 of the KMT2D protein (p.Pro862Arg). This variant is not present in population databases (gnomAD no frequency). This variant has not been reported in the literature in individuals affected with KMT2D-related conditions. ClinVar contains an entry for this variant (Variation ID: 2035771). Advanced modeling of protein sequence and biophysical properties (such as structural, functional, and spatial information, amino acid conservation, physicochemical variation, residue mobility, and thermodynamic stability) performed at Invitae indicates that this missense variant is not expected to disrupt KMT2D protein function. In summary, the available evidence is currently insufficient to determine the role of this variant in disease. Therefore, it has been classified as a Variant of Uncertain Significance.